The following is an entry in ClinVar:

ClinVar aggregate classification (germline): Uncertain significance (1 of 4 stars; one submission).

Conditions:
Myopathy with tubular aggregates (TAM). Also called: Tubular Aggregate Myopathy. Identifiers: Orphanet 2593, MedGen C0410207, MONDO:0008051.
Combined immunodeficiency due to STIM1 deficiency. Also called: IMMUNODEFICIENCY 10; STIM1 DEFICIENCY. Identifiers: Orphanet 169090, Orphanet 317430, MedGen C2748557, MONDO:0013008, OMIM 612783.
Stormorken syndrome (STRMK). Also called: THROMBOCYTOPATHY, ASPLENIA, AND MIOSIS. Identifiers: Orphanet 3204, MedGen C1861451, MONDO:0008497, OMIM 185070.

Submission:

Labcorp Genetics (formerly Invitae), Labcorp
Classification: Uncertain significance for Myopathy with tubular aggregates; Combined immunodeficiency due to STIM1 deficiency; Stormorken syndrome. Last evaluated: 2024-05-10. Review status: criteria provided, single submitter. Criteria: Invitae Variant Classification Sherloc (09022015). Collection method: clinical testing. Allele origin: germline.
Comment: This sequence change replaces histidine, which is basic and polar, with glutamine, which is neutral and polar, at codon 428 of the STIM1 protein (p.His428Gln). This variant is not present in population databases (gnomAD no frequency). This variant has not been reported in the literature in individuals affected with STIM1-related conditions. Advanced modeling of protein sequence and biophysical properties (such as structural, functional, and spatial information, amino acid conservation, physicochemical variation, residue mobility, and thermodynamic stability) performed at Invitae indicates that this missense variant is not expected to disrupt STIM1 protein function with a negative predictive value of 80%. In summary, the available evidence is currently insufficient to determine the role of this variant in disease. Therefore, it has been classified as a Variant of Uncertain Significance.

NM_001382567.1(STIM1):c.1284C>A (p.His428Gln)

Gene: STIM1 (stromal interaction molecule 1; plus strand). Cytogenetic location: 11p15.4.
Variant type: single nucleotide variant.
Coding change: c.1284C>A on transcript NM_001382567.1 (MANE Select); coding-DNA position 1284, C replaced by A.
Protein change: p.His428Gln; replaces histidine 428 with glutamine.
Molecular consequence: missense variant. On other transcripts: non-coding transcript variant (2).
Genome position (GRCh38, 1-based): chr11:4,083,308, C>A. VCF-style: chr11-4083308-C-A. GRCh37 (hg19) VCF-style: chr11-4104538-C-A.
Other names: c.1284C>A, p.His428Gln (NM_001277961.3, NM_001277962.2, NM_003156.4); c.1062C>A, p.His354Gln (NM_001382566.1, NM_001382573.1, NM_001382575.1 and 4 more transcripts); c.1305C>A, p.His435Gln (NM_001382568.1); c.1149C>A, p.His383Gln (NM_001382569.1); c.1056C>A, p.His352Gln (NM_001382570.1); c.804C>A, p.His268Gln (NM_001382571.1); c.795C>A, p.His265Gln (NM_001382580.1, NM_001382581.1); short protein forms H265Q, H268Q, H352Q, H354Q, H383Q, H428Q, H435Q.
Identifiers: ClinVar variation 3756291 (VCV003756291.2).
Genomic context (GRCh38, chr11:4,083,308, plus strand): 5'-TTCCTCTGTCTTCAGGCAAGCACTGAGCGAGGTGACAGCAGCATTGCGGGAGCGCCTGCA[C>A]CGCTGGCAACAGATCGAGATCCTCTGTGGCTTCCAGATTGTCAACAACCCTGGCATCCAC-3'
Protein context (NP_001369496.1, residues 418-438): EVTAALRERL[His428Gln]RWQQIEILCG